The following is an entry in ClinVar:

ClinVar aggregate classification (germline): Likely pathogenic (1 of 4 stars; one submission).

Submission:

GeneDx
Classification: Likely pathogenic. Last evaluated: 2026-03-19. Review status: criteria provided, single submitter. Criteria: GeneDx Variant Classification Process June 2021. Collection method: clinical testing. Allele origin: germline.
Comment: Nonsense variant predicted to result in protein truncation or nonsense mediated decay in a gene for which loss of function is a known mechanism of disease; Not observed at significant frequency in large population cohorts (gnomAD); Has not been previously published as pathogenic or benign to our knowledge

NM_002336.3(LRP6):c.306dup (p.Asp103Ter)

Gene: LRP6 (LDL receptor related protein 6; minus strand). Cytogenetic location: 12p13.2.
Variant type: Duplication.
Coding change: c.306dup on transcript NM_002336.3 (MANE Select); coding-DNA position 306, one base duplicated (T; older notation c.306dupT).
Protein change: p.Asp103Ter; replaces aspartic acid 103 with a stop codon.
Molecular consequence: nonsense. On other transcripts: 5 prime UTR variant (2), non-coding transcript variant (1), intron variant (1).
Genome position (GRCh38, 1-based): chr12:12,244,405, A duplicated on the plus strand (T on the coding strand, the reverse complement: LRP6 is on the minus strand). VCF-style (leftmost placement, unchanged base first): chr12-12244404-C-CA. GRCh37 (hg19) VCF-style: chr12-12397338-C-CA.
Other names: c.306dup, p.Asp103Ter (NM_001414244.1, NM_001414245.1, NM_001414246.1 and 6 more transcripts); c.-148dup (NM_001414253.1); c.-144dup (NM_001414254.1); c.-5+22276dup (NM_001414252.1); short protein forms D103*.
Identifiers: ClinVar variation 4088172 (VCV004088172.2).